The following is an entry in ClinVar:

NM_000363.5(TNNI3):c.403C>A (p.Leu135Ile)

Gene: TNNI3 (troponin I3, cardiac type; minus strand). Cytogenetic location: 19q13.42.
Variant type: single nucleotide variant.
Coding change: c.403C>A on transcript NM_000363.5 (MANE Select); coding-DNA position 403, C replaced by A.
Protein change: p.Leu135Ile; replaces leucine 135 with isoleucine.
Molecular consequence: missense variant.
Genome position (GRCh38, 1-based): chr19:55,154,176, G>T on the plus strand (C>A on the coding strand, the complement: TNNI3 is on the minus strand). VCF-style: chr19-55154176-G-T. GRCh37 (hg19) VCF-style: chr19-55665544-G-T.
Other names: short protein forms L135I.
Identifiers: ClinVar variation 2120164 (VCV002120164.5), dbSNP rs1555863549, ClinGen allele CA407440688.
Genomic context (GRCh38, chr19:55,154,176, plus strand): 5'-TCATGGCATCTGCAGAGATCCTCACTCTCCGCAGGGTGGGCCGCTTAAACTTGCCTCGAA[G>T]GTCAAAGATCTTCTGAGTCAGATCTGCAATCTGGGGGCACACGAGGGGGTGGGTACTTCT-3'
Protein context (NP_000354.4, residues 125-145): IADLTQKIFD[Leu135Ile]RGKFKRPTLR

ClinVar aggregate classification (germline): Uncertain significance. Review status: criteria provided, multiple submitters, no conflicts (2 of 4 stars). 2 submissions from 2 submitters: Uncertain significance (2). Last evaluated 2024-05-17.

Conditions:
Cardiovascular phenotype. Identifiers: MedGen CN230736.
Hypertrophic cardiomyopathy. Also called: HYPERTROPHIC MYOCARDIOPATHY. Identifiers: Orphanet 217569, MedGen C0007194, MeSH D002312, MONDO:0005045, HP:0001639.

Submissions (2):

Ambry Genetics
Classification: Uncertain significance for Cardiovascular phenotype. Last evaluated: 2024-05-17. Review status: criteria provided, single submitter. Criteria: Ambry Variant Classification Scheme 2023. Collection method: clinical testing. Allele origin: germline.
Comment: The p.L135I variant (also known as c.403C>A), located in coding exon 7 of the TNNI3 gene, results from a C to A substitution at nucleotide position 403. The leucine at codon 135 is replaced by isoleucine, an amino acid with highly similar properties. This amino acid position is highly conserved in available vertebrate species. In addition, the in silico prediction for this alteration is inconclusive. Based on the available evidence, the clinical significance of this variant remains unclear.

Labcorp Genetics (formerly Invitae), Labcorp
Classification: Uncertain significance for Hypertrophic cardiomyopathy. Last evaluated: 2024-05-09. Review status: criteria provided, single submitter. Criteria: Invitae Variant Classification Sherloc (09022015). Collection method: clinical testing. Allele origin: germline.
Comment: This sequence change replaces leucine, which is neutral and non-polar, with isoleucine, which is neutral and non-polar, at codon 135 of the TNNI3 protein (p.Leu135Ile). This variant is not present in population databases (gnomAD no frequency). This variant has not been reported in the literature in individuals affected with TNNI3-related conditions. ClinVar contains an entry for this variant (Variation ID: 2120164). An algorithm developed to predict the effect of missense changes on protein structure and function (PolyPhen-2) suggests that this variant is likely to be disruptive. This variant disrupts the p.Leu135 amino acid residue in TNNI3. Other variant(s) that disrupt this residue have been determined to be pathogenic (Invitae). This suggests that this residue is clinically significant, and that variants that disrupt this residue are likely to be disease-causing. In summary, the available evidence is currently insufficient to determine the role of this variant in disease. Therefore, it has been classified as a Variant of Uncertain Significance.